The following is an entry in ClinVar:

ClinVar aggregate classification (germline): Uncertain significance (1 of 4 stars; one submission).

Submission:

GeneDx
Classification: Uncertain significance. Last evaluated: 2024-08-27. Review status: criteria provided, single submitter. Criteria: GeneDx Variant Classification Process June 2021. Collection method: clinical testing. Allele origin: germline. Affected: yes.
Comment: Not observed at significant frequency in large population cohorts (gnomAD); In silico analysis supports that this missense variant has a deleterious effect on protein structure/function; Has not been previously published as pathogenic or benign to our knowledge

NM_001348716.2(KDM6B):c.3527T>G (p.Leu1176Arg)

Gene: KDM6B (lysine demethylase 6B; plus strand). Cytogenetic location: 17p13.1.
Variant type: single nucleotide variant.
Coding change: c.3527T>G on transcript NM_001348716.2 (MANE Select); coding-DNA position 3527, T replaced by G.
Protein change: p.Leu1176Arg; replaces leucine 1176 with arginine.
Molecular consequence: missense variant.
Genome position (GRCh38, 1-based): chr17:7,849,907, T>G. VCF-style: chr17-7849907-T-G. GRCh37 (hg19) VCF-style: chr17-7753225-T-G.
Other names: c.3527T>G, p.Leu1176Arg (NM_001080424.2); short protein forms L1176R.
Identifiers: ClinVar variation 3766330 (VCV003766330.1).